The following is an entry in ClinVar:

NM_001081.4(CUBN):c.6340T>C (p.Ser2114Pro)

Gene: CUBN (cubilin; minus strand). Cytogenetic location: 10p13.
Variant type: single nucleotide variant.
Coding change: c.6340T>C on transcript NM_001081.4 (MANE Select); coding-DNA position 6340, T replaced by C.
Protein change: p.Ser2114Pro; replaces serine 2114 with proline.
Molecular consequence: missense variant.
Genome position (GRCh38, 1-based): chr10:16,925,706, A>G on the plus strand (T>C on the coding strand, the complement: CUBN is on the minus strand). VCF-style: chr10-16925706-A-G. GRCh37 (hg19) VCF-style: chr10-16967705-A-G.
Other names: short protein forms S2114P.
Identifiers: ClinVar variation 1985283 (VCV001985283.5), dbSNP rs752157234, ClinGen allele CA5423708.
Genomic context (GRCh38, chr10:16,925,706, plus strand): 5'-AATGGACAGCAATGGTCAGGCCACTTTGGACCAGGACGTGCCAAGAACAGTTGAGGTTGG[A>G]TGGGTAAGTCTCTGGATACTTGGGGGACGTGATGATCCCTCTGTCTGCATGCAAATATCC-3'
Protein context (NP_001072.2, residues 2104-2124): TSPKYPETYP[Ser2114Pro]NLNCSWHVLV

ClinVar aggregate classification (germline): Uncertain significance. Review status: criteria provided, multiple submitters, no conflicts (2 of 4 stars). 2 submissions from 2 submitters: Uncertain significance (2). Last evaluated 2024-05-07.

Conditions:
Imerslund-Grasbeck syndrome type 1 (IGS1). Also called: Megaloblastic anemia 1, Finnish type; MEGALOBLASTIC ANEMIA, 1; Imerslund-Gräsbeck syndrome 1. Identifiers: MedGen C4016819, MONDO:0100156, OMIM 261100.
Proteinuria, chronic benign. Identifiers: MedGen C5394384, MONDO:0030042, OMIM 618884.
Imerslund-Grasbeck syndrome. Also called: ENTEROCYTE COBALAMIN MALABSORPTION; ENTEROCYTE INTRINSIC FACTOR RECEPTOR, DEFECT OF; PERNICIOUS ANEMIA, JUVENILE, DUE TO SELECTIVE INTESTINAL MALABSORPTION OF VITAMIN B12, WITH PROTEINURIA; Imerslund-Gräsbeck syndrome; Megaloblastic anemia due to inborn errors of metabolism. Identifiers: Orphanet 35858, MedGen C4551825, MONDO:0009853.

Allele frequency attached by ClinVar (database versions not stated): ExAC 0.00001; gnomAD exomes 0.00001; TOPMed 0.00001.
gnomAD v4.1: 11 of 1,613,924 alleles (0.00068%); highest among the groups gnomAD compares: Admixed American, 0.0033%; no homozygotes.

Submissions (2):

Labcorp Genetics (formerly Invitae), Labcorp
Classification: Uncertain significance for Imerslund-Grasbeck syndrome. Last evaluated: 2024-05-07. Review status: criteria provided, single submitter. Criteria: Invitae Variant Classification Sherloc (09022015). Collection method: clinical testing. Allele origin: germline.
Comment: This sequence change replaces serine, which is neutral and polar, with proline, which is neutral and non-polar, at codon 2114 of the CUBN protein (p.Ser2114Pro). This variant is present in population databases (rs752157234, gnomAD 0.003%). This variant has not been reported in the literature in individuals affected with CUBN-related conditions. ClinVar contains an entry for this variant (Variation ID: 1985283). Advanced modeling of protein sequence and biophysical properties (such as structural, functional, and spatial information, amino acid conservation, physicochemical variation, residue mobility, and thermodynamic stability) performed at Invitae indicates that this missense variant is not expected to disrupt CUBN protein function with a negative predictive value of 80%. In summary, the available evidence is currently insufficient to determine the role of this variant in disease. Therefore, it has been classified as a Variant of Uncertain Significance.

Fulgent Genetics
Classification: Uncertain significance for Imerslund-Grasbeck syndrome type 1; Proteinuria, chronic benign. Last evaluated: 2024-01-18. Review status: criteria provided, single submitter. Criteria: ACMG Guidelines, 2015. Collection method: clinical testing. Allele origin: germline.